The following is an entry in ClinVar:

NM_006953.4(UPK3A):c.786G>A (p.Ser262=)

Gene: UPK3A (uroplakin 3A; plus strand). Cytogenetic location: 22q13.31.
Variant type: single nucleotide variant.
Coding change: c.786G>A on transcript NM_006953.4 (MANE Select); coding-DNA position 786, G replaced by A.
Protein change: p.Ser262=; no amino-acid change (serine 262 retained).
Molecular consequence: synonymous variant.
Genome position (GRCh38, 1-based): chr22:45,295,641, G>A. VCF-style: chr22-45295641-G-A. GRCh37 (hg19) VCF-style: chr22-45691522-G-A.
Other names: c.423G>A, p.Ser141= (NM_001167574.2).
Identifiers: ClinVar variation 3033811 (VCV003033811.2), dbSNP rs117722381, ClinGen allele CA10284541.

ClinVar aggregate classification (germline): Likely benign (0 of 4 stars; one submission).

Conditions:
UPK3A-related disorder. Also called: UPK3A-related condition.

Allele frequency attached by ClinVar (database versions not stated): ESP Exome Variant Server 0.00023; 1000 Genomes Project 30x 0.00031; 1000 Genomes Project 0.00040.
gnomAD v4.1: 623 of 1,613,940 alleles (0.039%); highest among the groups gnomAD compares: Admixed American, 0.062%; 1 homozygote.

Submission:

PreventionGenetics, part of Exact Sciences
Classification: Likely benign for UPK3A-related condition. Last evaluated: 2019-06-08. Review status: no assertion criteria provided. Collection method: clinical testing. Allele origin: germline.
Comment: This variant is classified as likely benign based on ACMG/AMP sequence variant interpretation guidelines (Richards et al. 2015 PMID: 25741868, with internal and published modifications).